The following is an entry in ClinVar:

NM_001365951.3(KIF1B):c.2115+5_2115+6insT

Gene: KIF1B (kinesin family member 1B; plus strand). Cytogenetic location: 1p36.22.
Variant type: Insertion.
Coding change: c.2115+5_2115+6insT on transcript NM_001365951.3 (MANE Select); bases 5 to 6 of the intron after coding-DNA position 2115, T inserted.
Molecular consequence: intron variant.
Genome position: GRCh38 VCF-style: chr1-10297251-G-GT. GRCh37 (hg19) VCF-style: chr1-10357309-G-GT.
Other names: c.1977+5_1977+6insT (NM_183416.4, NM_015074.3, NM_001365953.1); c.2115+5_2115+6insT (NM_001365952.1).
Identifiers: ClinVar variation 3717390 (VCV003717390.2).
Genomic context (GRCh38, chr1:10,297,251, plus strand): 5'-TCTTATACAAAAAGGAGAAGGAAGAAGCAGATCTTCTTTTGGAGCAGCAGAGACTGGTAG[G>GT]AGTCCTGAATCTGCTAAACTGTTGGGAAAAGGGCAGCTTGTTCCCATACTTTCCCTGTTC-3'

ClinVar aggregate classification (germline): Uncertain significance (1 of 4 stars; one submission).

Conditions:
Charcot-Marie-Tooth disease type 2. Also called: Charcot-Marie-Tooth type 2. Identifiers: Orphanet 64746, MedGen C0270914, MONDO:0018993.

Submission:

Labcorp Genetics (formerly Invitae), Labcorp
Classification: Uncertain significance for Charcot-Marie-Tooth disease type 2. Last evaluated: 2025-01-08. Review status: criteria provided, single submitter. Criteria: Invitae Variant Classification Sherloc (09022015). Collection method: clinical testing. Allele origin: germline.
Comment: This sequence change falls in intron 20 of the KIF1B gene. It does not directly change the encoded amino acid sequence of the KIF1B protein. It affects a nucleotide within the consensus splice site. This variant is not present in population databases (gnomAD no frequency). This variant has not been reported in the literature in individuals affected with KIF1B-related conditions. Variants that disrupt the consensus splice site are a relatively common cause of aberrant splicing (PMID: 17576681, 9536098). Algorithms developed to predict the effect of sequence changes on RNA splicing suggest that this variant is not likely to affect RNA splicing. In summary, the available evidence is currently insufficient to determine the role of this variant in disease. Therefore, it has been classified as a Variant of Uncertain Significance.

Literature cited by the submitters: PubMed 17576681; PubMed 9536098.